The following is an entry in ClinVar:

ClinVar aggregate classification (germline): Pathogenic/Likely pathogenic. Review status: criteria provided, multiple submitters, no conflicts (2 of 4 stars). 12 submissions from 12 submitters: Pathogenic (10); Likely pathogenic (2). Last evaluated 2026-01-25.

Conditions:
Hereditary cancer-predisposing syndrome. Also called: Tumor predisposition; Hereditary neoplastic syndrome; Hereditary Cancer Syndrome; Neoplastic Syndromes, Hereditary. Identifiers: Orphanet 140162, MedGen C0027672, MeSH D009386, MONDO:0015356.
Hereditary breast ovarian cancer syndrome. Also called: Hereditary breast and/or ovarian cancer syndrome; Breast and ovarian cancer; Hereditary breast and ovarian cancer syndrome; Hereditary breast and ovarian cancer; Hereditary breast and ovarian cancer syndrome (HBOC); BRCA1- and BRCA2-Associated Hereditary Breast and Ovarian Cancer. Identifiers: Orphanet 145, MedGen C0677776, MeSH D061325, MONDO:0003582. Disease mechanism: loss of function.
Breast and colorectal cancer, susceptibility to. Also called: HBCC, susceptibility to. Identifiers: MedGen CN068920.
Breast-ovarian cancer, familial, susceptibility to, 1 (BROVCA1). Also called: BRCA1 Hereditary Breast and Ovarian Cancer; OVARIAN CANCER, SUSCEPTIBILITY TO. Identifiers: Orphanet 145, MedGen C2676676, MONDO:0011450, OMIM 604370. Disease mechanism: loss of function.
Familial cancer of breast. Also called: Hereditary breast cancer; hereditary breast carcinoma; BREAST CANCER, FAMILIAL. Identifiers: Orphanet 227535, MedGen C0346153, MONDO:0016419, OMIM 114480. Disease mechanism: loss of function.

Allele frequency attached by ClinVar (database versions not stated): ExAC 0.00002; gnomAD exomes 0.00002.
gnomAD v4.1: 23 of 1,613,852 alleles (0.0014%); highest among the groups gnomAD compares: Admixed American, 0.0067%; no homozygotes.

Submissions (12):

Labcorp Genetics (formerly Invitae), Labcorp
Classification: Pathogenic for Familial cancer of breast. Last evaluated: 2026-01-25. Review status: criteria provided, single submitter. Criteria: Invitae Variant Classification Sherloc (09022015). Collection method: clinical testing. Allele origin: germline.
Comment: This sequence change creates a premature translational stop signal (p.Trp93*) in the CHEK2 gene. It is expected to result in an absent or disrupted protein product. Loss-of-function variants in CHEK2 are known to be pathogenic (PMID: 21876083, 24713400). This variant is present in population databases (rs587782070, gnomAD 0.01%). This premature translational stop signal has been observed in individual(s) with breast cancer (PMID: 27751358, 28779002). ClinVar contains an entry for this variant (Variation ID: 141866). For these reasons, this variant has been classified as Pathogenic.

Color Diagnostics, LLC DBA Color Health
Classification: Pathogenic for Hereditary cancer-predisposing syndrome. Last evaluated: 2025-09-22. Review status: criteria provided, single submitter. Criteria: ACMG Guidelines, 2015. Collection method: clinical testing. Allele origin: germline.
Comment: This variant changes 1 nucleotide in exon 2 of the CHEK2 gene, creating a premature translation stop signal. This variant is expected to result in an absent or non-functional protein product. This variant has been observed in individuals with breast cancer (PMID: 28779002, 33479248, 34204722). This variant has been identified in 6/251270 chromosomes in the general population by the Genome Aggregation Database (gnomAD). Loss of CHEK2 function is a known mechanism of disease. Based on the available evidence, this variant is classified as Pathogenic.

Quest Diagnostics Nichols Institute San Juan Capistrano
Classification: Pathogenic. Last evaluated: 2025-08-05. Review status: criteria provided, single submitter. Criteria: Quest Diagnostics criteria. Collection method: clinical testing. Allele origin: unknown.
Comment: The CHEK2 c.279G>A (p.Trp93*) variant causes the premature termination of CHEK2 protein synthesis. This variant has been reported in the published literature in individuals with breast cancer (PMID: 27878467 (2016), 28779002 (2017), 30128536 (2018), 33479248 (2021), 34072659 (2021), 34204722 (2021), 33471991 (2021), see also LOVD). The frequency of this variant in the general population (Genome Aggregation Database) is consistent with pathogenicity. Based on the available information, this variant is classified as pathogenic.

Ambry Genetics
Classification: Pathogenic for Hereditary cancer-predisposing syndrome. Last evaluated: 2025-08-04. Review status: criteria provided, single submitter. Criteria: Ambry Variant Classification Scheme 2023. Collection method: clinical testing. Allele origin: germline.
Comment: The p.W93* pathogenic mutation (also known as c.279G>A), located in coding exon 1 of the CHEK2 gene, results from a G to A substitution at nucleotide position 279. This changes the amino acid from a tryptophan to a stop codon within coding exon 1. This alteration has been reported in at least one subject in a study of 13087 breast cancer cases and 5488 control individuals in the UK (Decker B et al. J. Med. Genet., 2017 11;54:732-741). This alteration is expected to result in loss of function by premature protein truncation or nonsense-mediated mRNA decay. As such, this alteration is interpreted as a disease-causing mutation.

Molecular Diagnostics Laboratory, Catalan Institute of Oncology
Classification: Likely pathogenic for Hereditary cancer-predisposing syndrome. Last evaluated: 2025-02-02. Review status: criteria provided, single submitter. Criteria: ACMG Guidelines, 2015. Collection method: clinical testing. Allele origin: germline.
Comment: PVS1 c.279G>A, located in exon 2 of the CHEK2 gene, is expected to result in loss of function by premature protein truncation and nonsense-mediated mRNA decay (PVS1), p.(Trp93*). This variant is found in 4/35096 with an filtered allele frequency of 0.002% in the gnomAD v2.1.1 database (Latino non-cancer data set). The SpliceAI algorithm predicts no significant impact on splicing. To our knowledge, functional studies have not been performed for this variant. The variant has been reported in the ClinVar database (9x pathogenic, 1x likely pathogenic) and in the LOVD database (1x not classified). Based on currently available information, the variant c.279G>A is classified as a likely pathogenic variant according to ACMG guidelines.

Institute of Immunology and Genetics Kaiserslautern
Classification: Pathogenic for Breast-ovarian cancer, familial, susceptibility to, 1. Last evaluated: 2024-07-09. Review status: criteria provided, single submitter. Criteria: ACMG Guidelines, 2015. Collection method: clinical testing. Allele origin: germline. Affected: yes.
Comment: ACMG Criteria: PVS1, PM2, PP5; Variant was found in heterozygous state

Baylor Genetics
Classification: Pathogenic for Familial cancer of breast. Last evaluated: 2023-11-12. Review status: criteria provided, single submitter. Criteria: ACMG Guidelines, 2015. Collection method: clinical testing. Allele origin: unknown.

Myriad Genetics, Inc.
Classification: Pathogenic for Familial cancer of breast. Last evaluated: 2023-06-23. Review status: criteria provided, single submitter. Criteria: Myriad Autosomal Dominant, Autosomal Recessive and X-Linked Classification Criteria (2023). Collection method: clinical testing. Allele origin: unknown.
Comment: This variant is considered pathogenic. This variant creates a termination codon and is predicted to result in premature protein truncation.

GeneDx
Classification: Pathogenic. Last evaluated: 2023-05-19. Review status: criteria provided, single submitter. Criteria: GeneDx Variant Classification Process June 2021. Collection method: clinical testing. Allele origin: germline. Affected: yes.
Comment: Nonsense variant predicted to result in protein truncation or nonsense mediated decay in a gene for which loss of function is a known mechanism of disease; Not observed at significant frequency in large population cohorts (gnomAD); This variant is associated with the following publications: (PMID: 29922827, 28152038, 32805687, 27751358, 28779002, 33257031, 29625052, 33471991, 34204722, 34072659, 32906215, 30128536, 33479248, 36232851)

Women's Health and Genetics/Laboratory Corporation of America, LabCorp
Classification: Pathogenic for Hereditary breast ovarian cancer syndrome. Last evaluated: 2022-04-05. Review status: criteria provided, single submitter. Criteria: LabCorp Variant Classification Summary - May 2015. Collection method: clinical testing. Allele origin: germline.
Comment: Variant summary: CHEK2 c.279G>A (p.Trp93X) results in a premature termination codon, predicted to cause a truncation of the encoded protein or absence of the protein due to nonsense mediated decay, which are commonly known mechanisms for disease. Truncations downstream of this position have been classified as pathogenic by our laboratory. The variant allele was found at a frequency of 2.4e-05 in 251270 control chromosomes. c.279G>A has been reported in the literature in individuals affected with breast and/or ovarian cancer and other tumor phenotypes (e.g. Vargas-Parra_2020, Walsh_2021, Fonfria_2021, Solano_2021). These data indicate that the variant is likely to be associated with disease. To our knowledge, no experimental evidence demonstrating an impact on protein function has been reported. Five clinical diagnostic laboratories have submitted clinical-significance assessments for this variant to ClinVar after 2014 without evidence for independent evaluation. All laboratories classified the variant as pathogenic. Based on the evidence outlined above, the variant was classified as pathogenic.

Sema4
Classification: Likely pathogenic for Hereditary cancer-predisposing syndrome. Last evaluated: 2021-10-12. Review status: criteria provided, single submitter. Criteria: Sema4 Curation Guidelines. Collection method: curation. Allele origin: germline.
Comment: The CHEK2 c.279G>A (p.W93X) variant has been reported in heterozygosity in multiple individuals with breast, bladder, kidney, and/or prostate cancer (PMID: 33471991, 28779002, 29625052, 32906215, 34204722, 34072659, 30128536). It has also been reported in individuals undergoing hereditary cancer panel testing due to an unspecified personal/family history of cancer (PMID: 27751358, 32805687), as well as in several unaffected men from the general population being monitored for prostate cancer (PMID: 33257031). This nonsense variant creates a premature stop codon at residue 93 of the CHEK2 protein. This variant is predicted to cause loss of normal protein function either through protein truncation or nonsense-mediated mRNA decay. Loss of function variants in CHEK2 are known to be pathogenic. This variant was observed in 4/34580 chromosomes in the Latino population according to the Genome Aggregation Database (PMID: 32461654). This variant has been reported in ClinVar (Variation ID: 141866). Based on the current evidence available, this variant is interpreted as likely pathogenic.

Rady Children's Institute for Genomic Medicine, Rady Children's Hospital San Diego
Classification: Pathogenic for SUSCEPTIBILITY TO BREAST AND COLORECTAL CANCER. Last evaluated: 2019-08-30. Review status: criteria provided, single submitter. Criteria: ACMG Guidelines, 2015. Collection method: clinical testing. Allele origin: germline. Affected: yes.
Comment: This nonsense variant found in exon 2 of 16 is predicted to result in loss of normal protein function. It is present in the heterozygous state in the gnomAD population database at a frequency of 0.002% (6/246188) and thus is presumed to be rare. This variant has been reported as Pathogenic by multiple clinical diagnostic laboratories in the ClinVar database (Variation ID: 141866). This variant has been reported in individuals undergoing multi-gene panel testing for breast cancer risk (PMID: 27751358) and was identified in a large cohort study of individuals with breast cancer (PMID: 28779002). The c.279G>A (p.Trp93Ter) variant affects a highly conserved amino acid and is predicted by multiple in silico tools to have a deleterious effect on protein function. Based on the available evidence, the c.279G>A (p.Trp93Ter) variant is classified as Pathogenic.

Literature cited by the submitters: PubMed 21876083 (cited by Labcorp Genetics (formerly Invitae), Labcorp); PubMed 24713400 (cited by Labcorp Genetics (formerly Invitae), Labcorp); PubMed 27751358 (cited by 3 submitters); PubMed 28779002 (cited by 6 submitters); PubMed 33479248 (cited by 3 submitters); PubMed 34204722 (cited by 4 submitters); PubMed 33257031 (cited by Quest Diagnostics Nichols Institute San Juan Capistrano and Sema4); PubMed 33471991 (cited by Quest Diagnostics Nichols Institute San Juan Capistrano and Sema4); PubMed 27878467 (cited by Quest Diagnostics Nichols Institute San Juan Capistrano); PubMed 34072659 (cited by 3 submitters); PubMed 29625052 (cited by Quest Diagnostics Nichols Institute San Juan Capistrano and Sema4); PubMed 32906215 (cited by 3 submitters); PubMed 30128536 (cited by Quest Diagnostics Nichols Institute San Juan Capistrano and Sema4); PubMed 28152038 (cited by Women's Health and Genetics/Laboratory Corporation of America, LabCorp); PubMed 32805687 (cited by Sema4).

NM_007194.4(CHEK2):c.279G>A (p.Trp93Ter)

Gene: CHEK2 (checkpoint kinase 2; minus strand). Cytogenetic location: 22q12.1.
Variant type: single nucleotide variant.
Coding change: c.279G>A on transcript NM_007194.4 (MANE Select); coding-DNA position 279, G replaced by A.
Protein change: p.Trp93Ter; replaces tryptophan 93 with a stop codon.
Molecular consequence: nonsense.
Genome position (GRCh38, 1-based): chr22:28,734,443, C>T on the plus strand (G>A on the coding strand, the complement: CHEK2 is on the minus strand). VCF-style: chr22-28734443-C-T. GRCh37 (hg19) VCF-style: chr22-29130431-C-T.
Other names: c.279G>A, p.Trp93Ter (NM_001005735.3, NM_001349956.3, NM_145862.3); c.-499G>A (NM_001257387.3); short protein forms W93*.
Identifiers: ClinVar variation 141866 (VCV000141866.29), dbSNP rs587782070, ClinGen allele CA166650.